The following is an entry in ClinVar:

NM_000257.4(MYH7):c.870_873del (p.Ser291fs)

Gene: MYH7 (myosin heavy chain 7; minus strand). Cytogenetic location: 14q11.2.
Variant type: Deletion.
Coding change: c.870_873del on transcript NM_000257.4 (MANE Select); coding-DNA positions 870 to 873, 4 bases deleted (GTCT; older notation c.870_873delGTCT).
Protein change: p.Ser291fs; shifts the reading frame from serine 291.
Molecular consequence: frameshift variant.
Genome position (GRCh38, 1-based): chr14:23,430,923-23,430,926, AGAC deleted on the plus strand (GTCT on the coding strand, the reverse complement: MYH7 is on the minus strand); deleting any 4 consecutive bases within chr14:23,430,923-23,430,928 gives the same sequence; the c. name uses the placement nearest the transcript's 3' end. VCF-style (leftmost placement, unchanged base first): chr14-23430922-TAGAC-T. GRCh37 (hg19) VCF-style: chr14-23900131-TAGAC-T.
Other names: short protein forms S291fs.
Identifiers: ClinVar variation 1378021 (VCV001378021.6), dbSNP rs2138680020, ClinGen allele CA2573149872.

ClinVar aggregate classification (germline): Uncertain significance (1 of 4 stars; one submission).

Conditions:
Hypertrophic cardiomyopathy. Also called: HYPERTROPHIC MYOCARDIOPATHY. Identifiers: Orphanet 217569, MedGen C0007194, MeSH D002312, MONDO:0005045, HP:0001639.

Submission:

Labcorp Genetics (formerly Invitae), Labcorp
Classification: Uncertain significance for Hypertrophic cardiomyopathy. Last evaluated: 2021-10-04. Review status: criteria provided, single submitter. Criteria: Invitae Variant Classification Sherloc (09022015). Collection method: clinical testing. Allele origin: germline.
Comment: In summary, the available evidence is currently insufficient to determine the role of this variant in disease. Therefore, it has been classified as a Variant of Uncertain Significance. This variant has not been reported in the literature in individuals affected with MYH7-related conditions. This variant is not present in population databases (ExAC no frequency). This sequence change creates a premature translational stop signal (p.Ser291Thrfs*11) in the MYH7 gene. It is expected to result in an absent or disrupted protein product. However, the current clinical and genetic evidence is not sufficient to establish whether loss-of-function variants in MYH7 cause disease.